The following is an entry in ClinVar:

ClinVar aggregate classification (germline): Likely benign. Review status: criteria provided, multiple submitters, no conflicts (2 of 4 stars). 3 submissions from 3 submitters: Likely benign (3). Last evaluated 2026-07-01.

Conditions:
Heterotopia, periventricular, X-linked dominant (PVNH1). Also called: PERIVENTRICULAR NODULAR HETEROTOPIA 4; HETEROTOPIA, PERIVENTRICULAR, 1; PERIVENTRICULAR NODULAR HETEROTOPIA 1; X-linked periventricular heterotopia. Identifiers: Orphanet 2149, Orphanet 82004, MedGen C1848213, MONDO:0010233, OMIM 300049.
Oto-palato-digital syndrome, type II (OPD2). Also called: Otopalatodigital Syndrome Type 2 (FLNA-OPD2); FACIOPALATOOSSEOUS SYNDROME; OPD II SYNDROME; Otopalatodigital Syndrome, Type II. Identifiers: Orphanet 669, Orphanet 90652, MedGen C1844696, MONDO:0010571, OMIM 304120.
Melnick-Needles syndrome (MNS). Also called: Melnick-Needles Syndrome (FLNA-MNS); MELNICK-NEEDLES OSTEODYSPLASTY; OSTEODYSPLASTY OF MELNICK AND NEEDLES. Identifiers: Orphanet 2484, MedGen C0025237, MONDO:0010650, OMIM 309350.
Frontometaphyseal dysplasia (FMD1). Identifiers: Orphanet 1826, MedGen C0265293, MONDO:0015942.

gnomAD v4.1: 5 of 1,208,566 alleles (0.00041%); highest among the groups gnomAD compares: Non-Finnish European, 0.00034%; no homozygotes.

Submissions (3):

CeGaT Center for Human Genetics Tuebingen
Classification: Likely benign. Last evaluated: 2026-07-01. Review status: criteria provided, single submitter. Criteria: CeGaT Center For Human Genetics Tuebingen Variant Classification Criteria Version 2. Collection method: clinical testing. Allele origin: germline. Affected: yes. Observed: 1 variant allele.
Comment: FLNA: BP4, BP7

Labcorp Genetics (formerly Invitae), Labcorp
Classification: Likely benign for Oto-palato-digital syndrome, type II; Heterotopia, periventricular, X-linked dominant; Frontometaphyseal dysplasia; Melnick-Needles syndrome. Last evaluated: 2025-03-17. Review status: criteria provided, single submitter. Criteria: Invitae Variant Classification Sherloc (09022015). Collection method: clinical testing. Allele origin: germline.

Laboratory of Genetics, Children's Clinical University Hospital Latvia
Classification: Likely benign. Last evaluated: 2025-02-16. Review status: criteria provided, single submitter. Criteria: ACMG Guidelines, 2015. Collection method: clinical testing. Allele origin: germline. Affected: yes.

NM_001110556.2(FLNA):c.3255C>A (p.Pro1085=)

Gene: FLNA (filamin A; minus strand). Cytogenetic location: Xq28.
Variant type: single nucleotide variant.
Coding change: c.3255C>A on transcript NM_001110556.2 (MANE Select); coding-DNA position 3255, C replaced by A.
Protein change: p.Pro1085=; no amino-acid change (proline 1085 retained).
Molecular consequence: synonymous variant.
Genome position (GRCh38, 1-based): chrX:154,360,540, G>T on the plus strand (C>A on the coding strand, the complement: FLNA is on the minus strand). VCF-style: chrX-154360540-G-T. GRCh37 (hg19) VCF-style: chrX-153588908-G-T.
Other names: c.3255C>A, p.Pro1085= (NM_001456.4).
Identifiers: ClinVar variation 2938066 (VCV002938066.6), dbSNP rs782231907, ClinGen allele CA519707804.